The following is an entry in ClinVar:

NM_001128840.3(CACNA1D):c.1637A>G (p.Asn546Ser)

Gene: CACNA1D (calcium voltage-gated channel subunit alpha1 D; plus strand). Cytogenetic location: 3p21.1.
Variant type: single nucleotide variant.
Coding change: c.1637A>G on transcript NM_001128840.3 (MANE Select); coding-DNA position 1637, A replaced by G.
Protein change: p.Asn546Ser; replaces asparagine 546 with serine.
Molecular consequence: missense variant.
Genome position (GRCh38, 1-based): chr3:53,722,445, A>G. VCF-style: chr3-53722445-A-G. GRCh37 (hg19) VCF-style: chr3-53756472-A-G.
Other names: c.1697A>G, p.Asn566Ser (NM_000720.4); c.1637A>G, p.Asn546Ser (NM_001128839.3); c.1697A>G (NM_000720.2); short protein forms N546S, N566S.
Identifiers: ClinVar variation 1284614 (VCV001284614.13), dbSNP rs55797424, ClinGen allele CA2454043.

ClinVar aggregate classification (germline): Conflicting classifications of pathogenicity. Review status: criteria provided, conflicting classifications (1 of 4 stars). 5 submissions from 5 submitters: Uncertain significance (2); Likely benign (1). 2 of the submissions do not count toward it. Last evaluated 2026-01-26.

Allele frequency attached by ClinVar (database versions not stated): gnomAD 0.00012; TOPMed 0.00016; 1000 Genomes Project 30x 0.00031; gnomAD exomes 0.00005 and 0.00010; ExAC 0.00007.
gnomAD v4.1: 94 of 1,614,206 alleles (0.0058%); highest among the groups gnomAD compares: East Asian, 0.04%; no homozygotes.

Submissions (6):

Labcorp Genetics (formerly Invitae), Labcorp
Classification: Likely benign. Last evaluated: 2026-01-26. Review status: criteria provided, single submitter. Criteria: Invitae Variant Classification Sherloc (09022015). Collection method: clinical testing. Allele origin: germline.

GeneDx
Classification: Uncertain significance. Last evaluated: 2025-12-19. Review status: criteria provided, single submitter. Criteria: GeneDx Variant Classification Process June 2021. Collection method: clinical testing. Allele origin: germline. Affected: yes.
Comment: Identified and reported as a variant of uncertain significance in a patient with myocardial infarction in published literature (PMID: 29396286); In silico analysis supports that this missense variant has a deleterious effect on protein structure/function; This variant is associated with the following publications: (PMID: 29396286, 39534727)

Blueprint Genetics
Classification: Uncertain significance. Last evaluated: 2023-06-08. Review status: criteria provided, single submitter. Criteria: ACMG Guidelines, 2015. Collection method: clinical testing. Allele origin: germline.

Clinical Genetics, Academic Medical Center
Classification: Uncertain significance. Review status: no assertion criteria provided. Collection method: clinical testing. Allele origin: germline. Affected: yes. Study: VKGL Data-share Consensus. Not counted in ClinVar's aggregate classification.

Diagnostic Laboratory, Department of Genetics, University Medical Center Groningen
Classification: Uncertain significance. Review status: no assertion criteria provided. Collection method: clinical testing. Allele origin: germline. Affected: yes. Study: VKGL Data-share Consensus. Not counted in ClinVar's aggregate classification.

Dr. Peter K. Rogan Lab, Western University
No classification provided (evidence only). Condition: Acute myeloid leukemia. Review status: no classification provided. Collection method: in vitro. Allele origin: not applicable. Functional consequence: retained intron. Not counted in ClinVar's aggregate classification.